The following is an entry in ClinVar:

ClinVar aggregate classification (germline): Conflicting classifications of pathogenicity. Review status: criteria provided, conflicting classifications (1 of 4 stars). 2 submissions from 2 submitters: Pathogenic (1); Uncertain significance (1). Last evaluated 2025-10-12.

Conditions:
Mitochondrial complex V (ATP synthase) deficiency, nuclear type 2. Also called: MITOCHONDRIAL COMPLEX V (ATP SYNTHASE) DEFICIENCY, TMEM70 TYPE; Nuclear-Encoded ATPase Deficiency, TMEM70-Related; ENCEPHALOCARDIOMYOPATHY, MITOCHONDRIAL, NEONATAL, DUE TO ATP SYNTHASE DEFICIENCY. Identifiers: Orphanet 1194, MedGen C3279699, MONDO:0013546, OMIM 614052.

Allele frequency attached by ClinVar (database versions not stated): ExAC 0.00002; gnomAD exomes 0.00002.

Submissions (2):

Labcorp Genetics (formerly Invitae), Labcorp
Classification: Pathogenic for Mitochondrial complex V (ATP synthase) deficiency, nuclear type 2. Last evaluated: 2025-10-12. Review status: criteria provided, single submitter. Criteria: Invitae Variant Classification Sherloc (09022015). Collection method: clinical testing. Allele origin: germline.
Comment: This sequence change creates a premature translational stop signal (p.Arg102*) in the TMEM70 gene. While this is not anticipated to result in nonsense mediated decay, it is expected to disrupt the last 159 amino acid(s) of the TMEM70 protein. This variant is present in population databases (rs774638624, gnomAD 0.003%). This variant has not been reported in the literature in individuals affected with TMEM70-related conditions. ClinVar contains an entry for this variant (Variation ID: 1506132). This variant disrupts a region of the TMEM70 protein in which other variant(s) (p.Thr193Serfs*6) have been determined to be pathogenic (PMID: 21147908; internal data). This suggests that this is a clinically significant region of the protein, and that variants that disrupt it are likely to be disease-causing. For these reasons, this variant has been classified as Pathogenic.

Blueprint Genetics
Classification: Uncertain significance. Last evaluated: 2024-07-24. Review status: criteria provided, single submitter. Criteria: ACMG Guidelines, 2015. Collection method: clinical testing. Allele origin: germline.

Literature cited by the submitters: PubMed 21147908 (cited by Labcorp Genetics (formerly Invitae), Labcorp).

NM_017866.6(TMEM70):c.304C>T (p.Arg102Ter)

Gene: TMEM70 (transmembrane protein 70; plus strand). Cytogenetic location: 8q21.11.
Variant type: single nucleotide variant.
Coding change: c.304C>T on transcript NM_017866.6 (MANE Select); coding-DNA position 304, C replaced by T.
Protein change: p.Arg102Ter; replaces arginine 102 with a stop codon.
Molecular consequence: nonsense. On other transcripts: non-coding transcript variant (1).
Genome position (GRCh38, 1-based): chr8:73,978,849, C>T. VCF-style: chr8-73978849-C-T. GRCh37 (hg19) VCF-style: chr8-74891084-C-T.
Other names: c.304C>T, p.Arg102Ter (NM_001040613.3); short protein forms R102*.
Identifiers: ClinVar variation 1506132 (VCV001506132.10), dbSNP rs774638624, ClinGen allele CA4783996.